The following is an entry in ClinVar:

ClinVar aggregate classification (germline): Likely pathogenic (1 of 4 stars; one submission).

Conditions:
Spastic paraplegia. Identifiers: MedGen C0037772, HP:0001258.

Submission:

Labcorp Genetics (formerly Invitae), Labcorp
Classification: Likely pathogenic for Spastic paraplegia. Last evaluated: 2022-02-08. Review status: criteria provided, single submitter. Criteria: Invitae Variant Classification Sherloc (09022015). Collection method: clinical testing. Allele origin: germline.
Comment: This sequence change affects a donor splice site in intron 10 of the ZFYVE26 gene. It is expected to disrupt RNA splicing. Variants that disrupt the donor or acceptor splice site typically lead to a loss of protein function (PMID: 16199547), and loss-of-function variants in ZFYVE26 are known to be pathogenic (PMID: 18394578, 19805727). This variant is not present in population databases (gnomAD no frequency). In summary, the currently available evidence indicates that the variant is pathogenic, but additional data are needed to prove that conclusively. Therefore, this variant has been classified as Likely Pathogenic. Algorithms developed to predict the effect of sequence changes on RNA splicing suggest that this variant may disrupt the consensus splice site. This variant has not been reported in the literature in individuals affected with ZFYVE26-related conditions.

Literature cited by the submitters: PubMed 16199547; PubMed 18394578; PubMed 19805727.

NM_015346.4(ZFYVE26):c.1639+1G>T

Gene: ZFYVE26 (zinc finger FYVE-type containing 26; minus strand). Cytogenetic location: 14q24.1.
Variant type: single nucleotide variant.
Coding change: c.1639+1G>T on transcript NM_015346.4 (MANE Select); the canonical splice donor site of the intron after coding-DNA position 1639, G replaced by T.
Molecular consequence: splice donor variant.
Genome position (GRCh38, 1-based): chr14:67,802,078, C>A on the plus strand (G>T on the coding strand, the complement: ZFYVE26 is on the minus strand). VCF-style: chr14-67802078-C-A. GRCh37 (hg19) VCF-style: chr14-68268795-C-A.
Identifiers: ClinVar variation 2094781 (VCV002094781.4), dbSNP rs2502866519, ClinGen allele CA390176194.
Genomic context (GRCh38, chr14:67,802,078, plus strand): 5'-AAAGCACCCACTGGCATGTGTTGTTATCAGCTTATCTCACGGATGGAGGGAAGTGCTGTA[C>A]CTGGGGAGGAGAGAGAGTCATTCGCTGGCTCTGTAGCTGAGGCCAGGTCCTCAGAGAGGC-3'